The following is an entry in ClinVar:

ClinVar aggregate classification (germline): Uncertain significance (1 of 4 stars; one submission).

gnomAD v4.1: 2 of 1,614,186 alleles (0.00012%); highest among the groups gnomAD compares: Non-Finnish European, 0.00017%; no homozygotes.

Submission:

GeneDx
Classification: Uncertain significance. Last evaluated: 2022-04-21. Review status: criteria provided, single submitter. Criteria: GeneDx Variant Classification Process June 2021. Collection method: clinical testing. Allele origin: germline. Affected: yes.
Comment: Identified in two individuals in an Iranian family diagnosed with atrial septal defects, and was also identified in the proband's unaffected father (Razmara et al., 2018); Not observed at significant frequency in large population cohorts (gnomAD); Nonsense variant predicted to result in protein truncation or nonsense mediated decay in a gene or region of a gene for which loss of function is not a well-established mechanism of disease; This variant is associated with the following publications: (PMID: 34426522, 29969989)

NM_002471.4(MYH6):c.3835C>T (p.Arg1279Ter)

Gene: MYH6 (myosin heavy chain 6; minus strand). Cytogenetic location: 14q11.2.
Variant type: single nucleotide variant.
Coding change: c.3835C>T on transcript NM_002471.4 (MANE Select); coding-DNA position 3835, C replaced by T.
Protein change: p.Arg1279Ter; replaces arginine 1279 with a stop codon.
Molecular consequence: nonsense.
Genome position (GRCh38, 1-based): chr14:23,389,617, G>A on the plus strand (C>T on the coding strand, the complement: MYH6 is on the minus strand). VCF-style: chr14-23389617-G-A. GRCh37 (hg19) VCF-style: chr14-23858826-G-A.
Other names: short protein forms R1279*.
Identifiers: ClinVar variation 432457 (VCV000432457.4), dbSNP rs751426149, ClinGen allele CA389003352.